The following is an entry in ClinVar:

NM_000465.4(BARD1):c.833T>G (p.Val278Gly)

Gene: BARD1 (BRCA1 associated RING domain 1; minus strand). Cytogenetic location: 2q35.
Variant type: single nucleotide variant.
Coding change: c.833T>G on transcript NM_000465.4 (MANE Select); coding-DNA position 833, T replaced by G.
Protein change: p.Val278Gly; replaces valine 278 with glycine.
Molecular consequence: missense variant. On other transcripts: non-coding transcript variant (2), intron variant (3).
Genome position (GRCh38, 1-based): chr2:214,781,041, A>C on the plus strand (T>G on the coding strand, the complement: BARD1 is on the minus strand). VCF-style: chr2-214781041-A-C. GRCh37 (hg19) VCF-style: chr2-215645765-A-C.
Other names: c.776T>G, p.Val259Gly (NM_001282543.2); c.158+28371T>G (NM_001282548.2); c.215+16020T>G (NM_001282545.2); c.364+11256T>G (NM_001282549.2); short protein forms V259G, V278G.
Identifiers: ClinVar variation 1048807 (VCV001048807.4), dbSNP rs1440649518, ClinGen allele CA350455368.

ClinVar aggregate classification (germline): Uncertain significance. Review status: criteria provided, single submitter (1 of 4 stars). 2 submissions from 2 submitters: Uncertain significance (1). 1 of the submissions does not count toward it. Last evaluated 2022-06-14.

Conditions:
Hereditary cancer-predisposing syndrome. Also called: Tumor predisposition; Hereditary neoplastic syndrome; Hereditary Cancer Syndrome; Neoplastic Syndromes, Hereditary. Identifiers: Orphanet 140162, MedGen C0027672, MeSH D009386, MONDO:0015356.
Malignant tumor of breast. Also called: Malignant breast neoplasm; Cancer breast. Identifiers: MedGen C0006142, MONDO:0007254. Disease mechanism: loss of function.

gnomAD v4.1: 4 of 1,608,900 alleles (0.00025%); highest among the groups gnomAD compares: Non-Finnish European, 0.00034%; no homozygotes.

Submissions (2):

Ambry Genetics
Classification: Uncertain significance for Hereditary cancer-predisposing syndrome. Last evaluated: 2022-06-14. Review status: criteria provided, single submitter. Criteria: Ambry Variant Classification Scheme 2023. Collection method: clinical testing. Allele origin: germline.
Comment: The p.V278G variant (also known as c.833T>G), located in coding exon 4 of the BARD1 gene, results from a T to G substitution at nucleotide position 833. The valine at codon 278 is replaced by glycine, an amino acid with dissimilar properties. This amino acid position is not well conserved in available vertebrate species. In addition, this alteration is predicted to be tolerated by in silico analysis. Since supporting evidence is limited at this time, the clinical significance of this alteration remains unclear.

Department of Pathology and Laboratory Medicine, Sinai Health System
Classification: Uncertain significance for Malignant tumor of breast. Review status: no assertion criteria provided. Collection method: clinical testing. Allele origin: unknown. Affected: yes. Study: The Canadian Open Genetics Repository (COGR). Not counted in ClinVar's aggregate classification.
Comment: The BARD1 p.Val278Gly variant was not identified in the literature nor was it identified in the dbSNP, ClinVar, Cosmic, MutDB, or Zhejiang Colon Cancer Database. The variant was not identified in the following control databases: the 1000 Genomes Project, the NHLBI GO Exome Sequencing Project, the Exome Aggregation Consortium (August 8th 2016), or the Genome Aggregation Database (Feb 27, 2017). The p.Val278 residue is conserved in mammals and computational analyses (PolyPhen-2, SIFT, AlignGVGD, BLOSUM, MutationTaster) provide inconsistent predictions regarding the impact to the protein; this information is not very predictive of pathogenicity. The variant occurs outside of the splicing consensus sequence and in silico or computational prediction software programs (SpliceSiteFinder, MaxEntScan, NNSPLICE, GeneSplicer, HumanSpliceFinder) do not predict a difference in splicing. In summary, based on the above information the clinical significance of this variant cannot be determined with certainty at this time. This variant is classified as a variant of uncertain significance.